The following is an entry in ClinVar:

ClinVar aggregate classification (germline): Likely benign. Review status: criteria provided, multiple submitters, no conflicts (2 of 4 stars). 2 submissions from 2 submitters: Likely benign (2). Last evaluated 2024-02-21.

Allele frequency attached by ClinVar (database versions not stated): TOPMed 0.00001; ESP Exome Variant Server 0.00008; gnomAD 0.00008 and 0.00009; gnomAD exomes 0.00017; ExAC 0.00020.

Submissions (2):

Blueprint Genetics
Classification: Likely benign. Last evaluated: 2024-02-21. Review status: criteria provided, single submitter. Criteria: ACMG Guidelines, 2015. Collection method: clinical testing. Allele origin: germline.

GeneDx
Classification: Likely benign. Last evaluated: 2017-08-02. Review status: criteria provided, single submitter. Criteria: GeneDx Variant Classification (06012015). Collection method: clinical testing. Allele origin: germline. Affected: yes.
Comment: This variant is considered likely benign or benign based on one or more of the following criteria: it is a conservative change, it occurs at a poorly conserved position in the protein, it is predicted to be benign by multiple in silico algorithms, and/or has population frequency not consistent with disease.

NM_001267550.2(TTN):c.42688G>A (p.Asp14230Asn)

Gene: TTN (titin; minus strand). Cytogenetic location: 2q31.2.
Variant type: single nucleotide variant.
Coding change: c.42688G>A on transcript NM_001267550.2 (MANE Select); coding-DNA position 42688, G replaced by A.
Protein change: p.Asp14230Asn; replaces aspartic acid 14230 with asparagine.
Molecular consequence: missense variant.
Genome position (GRCh38, 1-based): chr2:178,633,671, C>T on the plus strand (G>A on the coding strand, the complement: TTN is on the minus strand). VCF-style: chr2-178633671-C-T. GRCh37 (hg19) VCF-style: chr2-179498398-C-T.
Other names: c.37765G>A, p.Asp12589Asn (NM_001256850.1); c.15493G>A, p.Asp5165Asn (NM_003319.4); c.34984G>A, p.Asp11662Asn (NM_133378.4); c.15868G>A, p.Asp5290Asn (NM_133432.3); c.16069G>A, p.Asp5357Asn (NM_133437.4); short protein forms D12589N, D14230N, D11662N, D5165N, D5290N, D5357N.
Identifiers: ClinVar variation 516629 (VCV000516629.2), dbSNP rs371995464, ClinGen allele CA1996023.